The following is an entry in ClinVar:

NM_024577.4(SH3TC2):c.1061G>C (p.Ser354Thr)

Gene: SH3TC2 (SH3 domain and tetratricopeptide repeats 2; minus strand). Cytogenetic location: 5q32.
Variant type: single nucleotide variant.
Coding change: c.1061G>C on transcript NM_024577.4 (MANE Select); coding-DNA position 1061, G replaced by C.
Protein change: p.Ser354Thr; replaces serine 354 with threonine.
Molecular consequence: missense variant.
Genome position (GRCh38, 1-based): chr5:149,031,628, C>G on the plus strand (G>C on the coding strand, the complement: SH3TC2 is on the minus strand). VCF-style: chr5-149031628-C-G. GRCh37 (hg19) VCF-style: chr5-148411191-C-G.
Other names: short protein forms S354T.
Identifiers: ClinVar variation 1780440 (VCV001780440.7), dbSNP rs200790701, ClinGen allele CA3499301.
Genomic context (GRCh38, chr5:149,031,628, plus strand): 5'-GATGTGATGTCAGTGCGAGCAAGAGTGTGGAGGAAGCTGGAACACTCAGTCTGCTTATCA[C>G]TTCCCAGGGCCAACAGGGAGCATCTCTCCTCATCACTGAGAAAGGCAGAGTTCCTGCTCC-3'
Protein context (NP_078853.2, residues 344-364): EERCSLLALG[Ser354Thr]DKQTECSSFL

ClinVar aggregate classification (germline): Uncertain significance. Review status: criteria provided, multiple submitters, no conflicts (2 of 4 stars). 2 submissions from 2 submitters: Uncertain significance (2). Last evaluated 2025-10-02.

Conditions:
Charcot-Marie-Tooth disease type 4. Also called: Charcot-Marie-Tooth, Type 4; Charcot-Marie-Tooth disease, type IV. Identifiers: Orphanet 64749, MedGen C4082197, MONDO:0018995.
Inborn genetic diseases. Identifiers: MedGen C0950123, MeSH D030342.

Allele frequency attached by ClinVar (database versions not stated): TOPMed 0.00002; gnomAD 0.00003; ESP Exome Variant Server 0.00008; ExAC 0.00002.
gnomAD v4.1: 21 of 1,614,026 alleles (0.0013%); highest among the groups gnomAD compares: Non-Finnish European, 0.0018%; no homozygotes.

Submissions (2):

Labcorp Genetics (formerly Invitae), Labcorp
Classification: Uncertain significance for Charcot-Marie-Tooth disease type 4. Last evaluated: 2025-10-02. Review status: criteria provided, single submitter. Criteria: Invitae Variant Classification Sherloc (09022015). Collection method: clinical testing. Allele origin: germline.
Comment: This sequence change replaces serine, which is neutral and polar, with threonine, which is neutral and polar, at codon 354 of the SH3TC2 protein (p.Ser354Thr). This variant is present in population databases (rs200790701, gnomAD 0.003%). This variant has not been reported in the literature in individuals affected with SH3TC2-related conditions. ClinVar contains an entry for this variant (Variation ID: 1780440). Invitae Evidence Modeling of protein sequence and biophysical properties (such as structural, functional, and spatial information, amino acid conservation, physicochemical variation, residue mobility, and thermodynamic stability) indicates that this missense variant is not expected to disrupt SH3TC2 protein function with a negative predictive value of 95%. In summary, the available evidence is currently insufficient to determine the role of this variant in disease. Therefore, it has been classified as a Variant of Uncertain Significance.

Ambry Genetics
Classification: Uncertain significance for Inborn genetic diseases. Last evaluated: 2022-08-15. Review status: criteria provided, single submitter. Criteria: Ambry Variant Classification Scheme 2023. Collection method: clinical testing. Allele origin: germline.
Comment: The p.S354T variant (also known as c.1061G>C), located in coding exon 9 of the SH3TC2 gene, results from a G to C substitution at nucleotide position 1061. The serine at codon 354 is replaced by threonine, an amino acid with similar properties. This amino acid position is conserved. In addition, this alteration is predicted to be tolerated by in silico analysis. Since supporting evidence is limited at this time, the clinical significance of this alteration remains unclear.